The following is an entry in ClinVar:

NM_001267550.2(TTN):c.101146G>A (p.Asp33716Asn)

Genes: TTN-AS1 (TTN antisense RNA 1; plus strand), TTN (titin; minus strand). Cytogenetic location: 2q31.2.
Variant type: single nucleotide variant.
Coding change: c.101146G>A on transcript NM_001267550.2 (MANE Select); coding-DNA position 101146, G replaced by A.
Protein change: p.Asp33716Asn; replaces aspartic acid 33716 with asparagine.
Molecular consequence: missense variant.
Genome position (GRCh38, 1-based): chr2:178,535,469, C>T on the plus strand (G>A on the coding strand, the complement: TTN is on the minus strand). VCF-style: chr2-178535469-C-T. GRCh37 (hg19) VCF-style: chr2-179400196-C-T.
Other names: c.96223G>A, p.Asp32075Asn (NM_001256850.1); c.73951G>A, p.Asp24651Asn (NM_003319.4); c.93442G>A, p.Asp31148Asn (NM_133378.4); c.74326G>A, p.Asp24776Asn (NM_133432.3); c.74527G>A, p.Asp24843Asn (NM_133437.4); short protein forms D24651N, D24843N, D24776N, D31148N, D33716N, D32075N.
Identifiers: ClinVar variation 2149399 (VCV002149399.4), dbSNP rs2468575861, ClinGen allele CA349421550.

ClinVar aggregate classification (germline): Uncertain significance (1 of 4 stars; one submission).

Conditions:
Autosomal recessive limb-girdle muscular dystrophy type 2J (LGMDR10). Also called: Limb-girdle muscular dystrophy, type 2J; MUSCULAR DYSTROPHY, LIMB-GIRDLE, AUTOSOMAL RECESSIVE 10. Identifiers: Orphanet 140922, MedGen C1837342, MONDO:0012127, OMIM 608807.
Dilated cardiomyopathy 1G (CMD1G). Identifiers: Orphanet 154, MedGen C1858763, MONDO:0011400, OMIM 604145.

Allele frequency attached by ClinVar (database versions not stated): gnomAD exomes below 0.00001.
gnomAD v4.1: 1 of 1,613,872 alleles (0.000062%); highest among the groups gnomAD compares: Admixed American, 0.0017%; no homozygotes.

Submission:

Labcorp Genetics (formerly Invitae), Labcorp
Classification: Uncertain significance for Dilated cardiomyopathy 1G; Autosomal recessive limb-girdle muscular dystrophy type 2J. Last evaluated: 2023-10-13. Review status: criteria provided, single submitter. Criteria: Invitae Variant Classification Sherloc (09022015). Collection method: clinical testing. Allele origin: germline.
Comment: This sequence change replaces aspartic acid, which is acidic and polar, with asparagine, which is neutral and polar, at codon 33716 of the TTN protein (p.Asp33716Asn). This variant is not present in population databases (gnomAD no frequency). This variant has not been reported in the literature in individuals affected with TTN-related conditions. ClinVar contains an entry for this variant (Variation ID: 2149399). Experimental studies and prediction algorithms are not available or were not evaluated, and the functional significance of this variant is currently unknown. This variant is located in the M band of TTN (PMID: 25589632). Variants in this region may be relevant for neuromuscular disorders, but have not been definitively shown to cause cardiomyopathy (PMID: 23975875). In summary, the available evidence is currently insufficient to determine the role of this variant in disease. Therefore, it has been classified as a Variant of Uncertain Significance.

Literature cited by the submitters: PubMed 25589632; PubMed 23975875.